The following is an entry in ClinVar:

NM_005012.4(ROR1):c.294G>A (p.Val98=)

Gene: ROR1 (receptor tyrosine kinase like orphan receptor 1; plus strand). Cytogenetic location: 1p31.3.
Variant type: single nucleotide variant.
Coding change: c.294G>A on transcript NM_005012.4 (MANE Select); coding-DNA position 294, G replaced by A.
Protein change: p.Val98=; no amino-acid change (valine 98 retained).
Molecular consequence: synonymous variant.
Genome position (GRCh38, 1-based): chr1:64,049,821, G>A. VCF-style: chr1-64049821-G-A. GRCh37 (hg19) VCF-style: chr1-64515493-G-A.
Other names: c.294G>A, p.Val98= (NM_001083592.2).
Identifiers: ClinVar variation 3048488 (VCV003048488.2), dbSNP rs200186767, ClinGen allele CA890027.

ClinVar aggregate classification (germline): Likely benign (0 of 4 stars; one submission).

Conditions:
ROR1-related disorder. Also called: ROR1-related condition.

Allele frequency attached by ClinVar (database versions not stated): ExAC 0.00002; gnomAD 0.00003; TOPMed 0.00003.
gnomAD v4.1: 51 of 1,614,058 alleles (0.0032%); highest among the groups gnomAD compares: Middle Eastern, 0.033%; no homozygotes.

Submission:

PreventionGenetics, part of Exact Sciences
Classification: Likely benign for ROR1-related condition. Last evaluated: 2019-02-26. Review status: no assertion criteria provided. Collection method: clinical testing. Allele origin: germline.
Comment: This variant is classified as likely benign based on ACMG/AMP sequence variant interpretation guidelines (Richards et al. 2015 PMID: 25741868, with internal and published modifications).